The following is an entry in ClinVar:

ClinVar aggregate classification (germline): Benign/Likely benign. Review status: criteria provided, multiple submitters, no conflicts (2 of 4 stars). 3 submissions from 3 submitters: Benign (1); Likely benign (2). Last evaluated 2025-10-01.

Conditions:
Hereditary nonpolyposis colorectal neoplasms. Identifiers: MedGen C0009405, MeSH D003123.
Hereditary cancer-predisposing syndrome. Also called: Hereditary Cancer Syndrome; Hereditary neoplastic syndrome; Neoplastic Syndromes, Hereditary; Tumor predisposition. Identifiers: Orphanet 140162, MedGen C0027672, MeSH D009386, MONDO:0015356.
Lynch syndrome 4 (LYNCH4). Also called: Colorectal cancer, hereditary nonpolyposis, type 4; Hereditary non-polyposis colorectal cancer, type 4. Identifiers: Orphanet 144, MedGen C1838333, MONDO:0013699, OMIM 614337. Disease mechanism: loss of function.

Submissions (3):

Labcorp Genetics (formerly Invitae), Labcorp
Classification: Likely benign for Hereditary nonpolyposis colorectal neoplasms. Last evaluated: 2025-10-01. Review status: criteria provided, single submitter. Criteria: Invitae Variant Classification Sherloc (09022015). Collection method: clinical testing. Allele origin: germline.

Myriad Genetics, Inc.
Classification: Benign for Lynch syndrome 4. Last evaluated: 2025-01-30. Review status: criteria provided, single submitter. Criteria: Myriad Autosomal Dominant, Autosomal Recessive and X-Linked Classification Criteria (2023). Collection method: clinical testing. Allele origin: unknown.
Comment: This variant is considered benign. This variant is a silent/synonymous amino acid change and it is not expected to impact splicing.

Ambry Genetics
Classification: Likely benign for Hereditary cancer-predisposing syndrome. Last evaluated: 2020-10-12. Review status: criteria provided, single submitter. Criteria: Ambry Variant Classification Scheme 2023. Collection method: clinical testing. Allele origin: germline.

NM_000535.7(PMS2):c.1584C>T (p.Gly528=)

Gene: PMS2 (PMS1 homolog 2, mismatch repair system component; minus strand). Cytogenetic location: 7p22.1.
Variant type: single nucleotide variant.
Coding change: c.1584C>T on transcript NM_000535.7 (MANE Select); coding-DNA position 1584, C replaced by T.
Protein change: p.Gly528=; no amino-acid change (glycine 528 retained).
Molecular consequence: synonymous variant. On other transcripts: non-coding transcript variant (1).
Genome position (GRCh38, 1-based): chr7:5,987,181, G>A on the plus strand (C>T on the coding strand, the complement: PMS2 is on the minus strand). VCF-style: chr7-5987181-G-A. GRCh37 (hg19) VCF-style: chr7-6026812-G-A.
Other names: c.1179C>T, p.Gly393= (NM_001322003.2, NM_001322004.2, NM_001322005.2 and 1 more transcripts); c.1428C>T, p.Gly476= (NM_001322006.2); c.1266C>T, p.Gly422= (NM_001322007.2, NM_001322008.2); c.1023C>T, p.Gly341= (NM_001322010.2); c.651C>T, p.Gly217= (NM_001322011.2, NM_001322012.2); c.1011C>T, p.Gly337= (NM_001322013.2); c.1584C>T, p.Gly528= (NM_001322014.2); c.1275C>T, p.Gly425= (NM_001322015.2).
Identifiers: ClinVar variation 455663 (VCV000455663.14), dbSNP rs1554297515, ClinGen allele CA453746695.
Genomic context (GRCh38, chr7:5,987,181, plus strand): 5'-ATCTGAAAAAGAGTCGTCAGTTTTAGGCGCTTTCTCCTGAGAGTCCACATGTTCCTGCGA[G>A]CCCCTGTCCCCTGGGGAGCTGGCCGCATACTCGCTGCTGCAGTGACTGCCCGTGTCTGGG-3'
Protein context (NP_000526.2, residues 518-538): EYAASSPGDR[Gly528=]SQEHVDSQEK